The following is an entry in ClinVar:

NM_024649.5(BBS1):c.908TGG[1] (p.Val304del)

Genes: ZDHHC24 (zDHHC palmitoyltransferase 24; minus strand), BBS1 (Bardet-Biedl syndrome 1; plus strand). Cytogenetic location: 11q13.2.
Variant type: Microsatellite.
Coding change: c.908TGG[1] on transcript NM_024649.5 (MANE Select); one copy of the 3-base unit TGG starting at c.908; the reference has two copies in a row; one copy, 3 bases deleted.
Protein change: p.Val304del; deletes valine 304.
Molecular consequence: inframe deletion. On other transcripts: intron variant (1).
Genome position (GRCh38, 1-based): chr11:66,523,536-66,523,538, TGG deleted; deleting any 3 consecutive bases within chr11:66,523,532-66,523,538 gives the same sequence; the position shown is the placement nearest the transcript's 3' end. VCF-style (leftmost placement, unchanged base first): chr11-66523531-AGTG-A. GRCh37 (hg19) VCF-style: chr11-66291002-AGTG-A.
Other names: c.*22-2068_*22-2066del (NM_001348571.2); short protein forms V304del.
Identifiers: ClinVar variation 373436 (VCV000373436.3), dbSNP rs1057518418, ClinGen allele CA16042865.

ClinVar aggregate classification (germline): Uncertain significance (1 of 4 stars; one submission).

Submission:

GeneDx
Classification: Uncertain significance. Last evaluated: 2016-12-05. Review status: criteria provided, single submitter. Criteria: GeneDx Variant Classification (06012015). Collection method: clinical testing. Allele origin: germline. Affected: yes.
Comment: The c.911_913delTGG variant in the BBS1 gene has not been reported previously as a pathogenic variant nor as a benign variant, to our knowledge. The c.911_913delTGG variant results in an in-frame deletion of Valine 304, denoted p.Val304del. The c.911_913delTGG variant was not observed in approximately 6500 individuals of European and African American ancestry in the NHLBI Exome Sequencing Project, indicating it is not a common benign variant in these populations. We interpret c.911_913delTGG as a variant of uncertain significance.